The following is an entry in ClinVar:

NM_000132.4(F8):c.6720T>G (p.Pro2240=)

Gene: F8 (coagulation factor VIII; minus strand). Cytogenetic location: Xq28.
Variant type: single nucleotide variant.
Coding change: c.6720T>G on transcript NM_000132.4 (MANE Select); coding-DNA position 6720, T replaced by G.
Protein change: p.Pro2240=; no amino-acid change (proline 2240 retained).
Molecular consequence: synonymous variant.
Genome position (GRCh38, 1-based): chrX:154,861,721, A>C on the plus strand (T>G on the coding strand, the complement: F8 is on the minus strand). VCF-style: chrX-154861721-A-C. GRCh37 (hg19) VCF-style: chrX-154089996-A-C.
Other names: c.315T>G, p.Pro105= (NM_019863.3).
Identifiers: ClinVar variation 2661861 (VCV002661861.24), dbSNP rs1395992838, ClinGen allele CA519356738.
Genomic context (GRCh38, chrX:154,861,721, plus strand): 5'-ATTTTTTCCCCAACCACTGCTCTGAGTCAGTTAAACAGTAAATCTGTTGCCTCTTACCTG[A>C]GGTCTCCAGGCATTACTCCTCCCTTGGAGGTGAAGTCGAGCTTTTGAAGGAGACCAGGTG-3'
Protein context (NP_000123.1, residues 2230-2250): HLQGRSNAWR[Pro2240=]QVNNPKEWLQ

ClinVar aggregate classification (germline): Likely benign (1 of 4 stars; one submission).

Allele frequency attached by ClinVar (database versions not stated): gnomAD 0.00001; gnomAD exomes 0.00001; TOPMed 0.00001.
gnomAD v4.1: 11 of 1,209,822 alleles (0.00091%); highest among the groups gnomAD compares: Non-Finnish European, 0.0012%; no homozygotes.

Submission:

CeGaT Center for Human Genetics Tuebingen
Classification: Likely benign. Last evaluated: 2022-06-01. Review status: criteria provided, single submitter. Criteria: CeGaT Center For Human Genetics Tuebingen Variant Classification Criteria Version 2. Collection method: clinical testing. Allele origin: germline. Affected: yes. Observed: 1 variant allele.
Comment: F8: BP4, BP7